The following is an entry in ClinVar:

ClinVar aggregate classification (germline): Uncertain significance (1 of 4 stars; one submission).

Conditions:
Early-onset Parkinson disease 20. Also called: PARKINSON DISEASE 20, AUTOSOMAL RECESSIVE EARLY-ONSET. Identifiers: Orphanet 391411, MedGen C3809824, MONDO:0014233, OMIM 615530.
Developmental and epileptic encephalopathy, 53. Also called: Epileptic encephalopathy, early infantile, 53. Identifiers: MedGen C4479313, MONDO:0033362, OMIM 617389.

Allele frequency attached by ClinVar (database versions not stated): ExAC 0.00002; gnomAD exomes 0.00002; gnomAD 0.00003; TOPMed 0.00003.

Submission:

Labcorp Genetics (formerly Invitae), Labcorp
Classification: Uncertain significance for Developmental and epileptic encephalopathy, 53; Early-onset Parkinson disease 20. Last evaluated: 2024-02-23. Review status: criteria provided, single submitter. Criteria: Invitae Variant Classification Sherloc (09022015). Collection method: clinical testing. Allele origin: germline.
Comment: This sequence change replaces arginine, which is basic and polar, with histidine, which is basic and polar, at codon 220 of the SYNJ1 protein (p.Arg220His). This variant is present in population databases (rs763977309, gnomAD 0.006%). This missense change has been observed in individual(s) with Parkinson disease (PMID: 32613234). This variant is also known as c.542G>A, p.R181H. ClinVar contains an entry for this variant (Variation ID: 969151). Advanced modeling of protein sequence and biophysical properties (such as structural, functional, and spatial information, amino acid conservation, physicochemical variation, residue mobility, and thermodynamic stability) performed at Invitae indicates that this missense variant is expected to disrupt SYNJ1 protein function with a positive predictive value of 80%. In summary, the available evidence is currently insufficient to determine the role of this variant in disease. Therefore, it has been classified as a Variant of Uncertain Significance.

Literature cited by the submitters: PubMed 32613234.

NM_203446.3(SYNJ1):c.542G>A (p.Arg181His)

Gene: SYNJ1 (synaptojanin 1; minus strand). Cytogenetic location: 21q22.11.
Variant type: single nucleotide variant.
Coding change: c.542G>A on transcript NM_203446.3 (MANE Select); coding-DNA position 542, G replaced by A.
Protein change: p.Arg181His; replaces arginine 181 with histidine.
Molecular consequence: missense variant.
Genome position (GRCh38, 1-based): chr21:32,695,220, C>T on the plus strand (G>A on the coding strand, the complement: SYNJ1 is on the minus strand). VCF-style: chr21-32695220-C-T. GRCh37 (hg19) VCF-style: chr21-34067530-C-T.
Other names: c.542G>A, p.Arg181His (NM_001160302.2, NM_001160306.2); c.659G>A, p.Arg220His (NM_003895.4); short protein forms R181H, R220H.
Identifiers: ClinVar variation 969151 (VCV000969151.8), dbSNP rs763977309, ClinGen allele CA10004110.